The following is an entry in ClinVar:

ClinVar aggregate classification (germline): Likely benign (1 of 4 stars; one submission).

Conditions:
Hereditary diffuse gastric adenocarcinoma (HDGC). Also called: DIFFUSE GASTRIC AND LOBULAR BREAST CANCER SYNDROME. Identifiers: Orphanet 26106, MedGen C1708349, MONDO:0007648, OMIM 137215.

Submission:

Myriad Genetics, Inc.
Classification: Likely benign for Hereditary diffuse gastric adenocarcinoma. Last evaluated: 2024-09-12. Review status: criteria provided, single submitter. Criteria: Myriad Autosomal Dominant, Autosomal Recessive and X-Linked Classification Criteria (2023). Collection method: clinical testing. Allele origin: unknown.
Comment: This variant is considered likely benign. This variant is intronic and is not expected to impact mRNA splicing.

NM_004360.5(CDH1):c.387+9G>T

Gene: CDH1 (cadherin 1; plus strand). Cytogenetic location: 16q22.1.
Variant type: single nucleotide variant.
Coding change: c.387+9G>T on transcript NM_004360.5 (MANE Select); 9 bases into the intron after coding-DNA position 387, G replaced by T.
Molecular consequence: intron variant.
Genome position (GRCh38, 1-based): chr16:68,801,902, G>T. VCF-style: chr16-68801902-G-T. GRCh37 (hg19) VCF-style: chr16-68835805-G-T.
Other names: c.-1229+9G>T (NM_001317185.2); c.-1433+9G>T (NM_001317186.2); c.387+9G>T (NM_001317184.2).
Identifiers: ClinVar variation 3378908 (VCV003378908.1).